The following is an entry in ClinVar:

ClinVar aggregate classification (germline): Uncertain significance (1 of 4 stars; one submission).

Conditions:
Catecholaminergic polymorphic ventricular tachycardia 1. Also called: VENTRICULAR TACHYCARDIA, STRESS-INDUCED POLYMORPHIC 1; VENTRICULAR TACHYCARDIA, CATECHOLAMINERGIC POLYMORPHIC, 1, WITH OR WITHOUT ATRIAL DYSFUNCTION AND/OR DILATED CARDIOMYOPATHY; RYR2-Related Catecholaminergic Polymorphic Ventricular Tachycardia. Identifiers: Orphanet 3286, MedGen C1631597, MONDO:0011484, OMIM 604772.

Submission:

Labcorp Genetics (formerly Invitae), Labcorp
Classification: Uncertain significance for Catecholaminergic polymorphic ventricular tachycardia 1. Last evaluated: 2023-10-23. Review status: criteria provided, single submitter. Criteria: Invitae Variant Classification Sherloc (09022015). Collection method: clinical testing. Allele origin: germline.
Comment: This sequence change replaces glutamic acid, which is acidic and polar, with leucine, which is neutral and non-polar, at codon 2355 of the RYR2 protein (p.Glu2355Leu). Information on the frequency of this variant in the gnomAD database is not available, as this variant may be reported differently in the database. This variant has not been reported in the literature in individuals affected with RYR2-related conditions. An algorithm developed to predict the effect of missense changes on protein structure and function (PolyPhen-2) suggests that this variant is likely to be tolerated. In summary, the available evidence is currently insufficient to determine the role of this variant in disease. Therefore, it has been classified as a Variant of Uncertain Significance.

NM_001035.3(RYR2):c.7063_7064delinsTT (p.Glu2355Leu)

Gene: RYR2 (ryanodine receptor 2; plus strand). Cytogenetic location: 1q43.
Variant type: Indel.
Coding change: c.7063_7064delinsTT on transcript NM_001035.3 (MANE Select); coding-DNA positions 7063 to 7064, GA replaced by TT.
Protein change: p.Glu2355Leu; replaces glutamic acid 2355 with leucine.
Molecular consequence: missense variant.
Genome position (GRCh38, 1-based): chr1:237,639,149-237,639,150, GA replaced by TT. VCF-style: chr1-237639149-GA-TT. GRCh37 (hg19) VCF-style: chr1-237802449-GA-TT.
Other names: short protein forms E2355L.
Identifiers: ClinVar variation 2819850 (VCV002819850.3), dbSNP rs2546964917, ClinGen allele CA2739274070.
Genomic context (GRCh38, chr1:237,639,149, plus strand): 5'-TTGAGAGGAGAAGGTGGGAATGGGCTTCTTGCAGCAATGGAAGAAGCCATCAAAATCGCC[GA>TT]GGATCCTTCCCGAGATGGTCCCTCACCAAATAGCGGATCCAGTAAAACACTGTAGGTCTA-3'
Protein context (NP_001026.2, residues 2345-2365): AAMEEAIKIA[Glu2355Leu]DPSRDGPSPN